The following is an entry in ClinVar:

ClinVar aggregate classification (germline): Uncertain significance. Review status: criteria provided, multiple submitters, no conflicts (2 of 4 stars). 4 submissions from 4 submitters: Uncertain significance (3). 1 of the submissions does not count toward it. Last evaluated 2025-11-10.

Conditions:
Hereditary cancer-predisposing syndrome. Also called: Hereditary neoplastic syndrome; Neoplastic Syndromes, Hereditary; Hereditary Cancer Syndrome; Tumor predisposition. Identifiers: Orphanet 140162, MedGen C0027672, MeSH D009386, MONDO:0015356.
Microcephaly, normal intelligence and immunodeficiency (NBS). Also called: BERLIN BREAKAGE SYNDROME; Immunodeficiency, microcephaly with normal intelligence; Ataxia telangiectasia variant V1; Nijmegen breakage syndrome; Microcephaly with normal intelligence immunodeficiency and lymphoreticular malignancies; Nonsyndromal microcephaly autosomal recessive with normal intelligence. Identifiers: Orphanet 647, MedGen C0398791, MONDO:0009623, OMIM 251260.

Allele frequency attached by ClinVar (database versions not stated): gnomAD exomes below 0.00001 and 0.00001; gnomAD 0.00001.
gnomAD v4.1: 8 of 1,612,496 alleles (0.0005%); highest among the groups gnomAD compares: Admixed American, 0.0067%; no homozygotes.

Submissions (4):

Labcorp Genetics (formerly Invitae), Labcorp
Classification: Uncertain significance for Microcephaly, normal intelligence and immunodeficiency. Last evaluated: 2025-11-10. Review status: criteria provided, single submitter. Criteria: Invitae Variant Classification Sherloc (09022015). Collection method: clinical testing. Allele origin: germline.
Comment: This sequence change replaces tyrosine, which is neutral and polar, with cysteine, which is neutral and slightly polar, at codon 110 of the NBN protein (p.Tyr110Cys). This variant is present in population databases (no rsID available, gnomAD 0.006%). This variant has not been reported in the literature in individuals affected with NBN-related conditions. ClinVar contains an entry for this variant (Variation ID: 574738). An algorithm developed to predict the effect of missense changes on protein structure and function (PolyPhen-2) suggests that this variant is likely to be tolerated. In summary, the available evidence is currently insufficient to determine the role of this variant in disease. Therefore, it has been classified as a Variant of Uncertain Significance.

Ambry Genetics
Classification: Uncertain significance for Hereditary cancer-predisposing syndrome. Last evaluated: 2025-04-06. Review status: criteria provided, single submitter. Criteria: Ambry Variant Classification Scheme 2023. Collection method: clinical testing. Allele origin: germline.
Comment: The p.Y110C variant (also known as c.329A>G), located in coding exon 4 of the NBN gene, results from an A to G substitution at nucleotide position 329. The tyrosine at codon 110 is replaced by cysteine, an amino acid with highly dissimilar properties. This amino acid position is highly conserved in available vertebrate species. In addition, this alteration is predicted to be deleterious by in silico analysis. Since supporting evidence is limited at this time, the clinical significance of this alteration remains unclear.

Genome-Nilou Lab
Classification: Uncertain significance for Microcephaly, normal intelligence and immunodeficiency. Last evaluated: 2021-11-07. Review status: criteria provided, single submitter. Criteria: ACMG Guidelines, 2015. Collection method: clinical testing. Allele origin: germline. Affected: no.

Natera, Inc.
Classification: Uncertain significance for Nijmegen breakage syndrome. Last evaluated: 2021-01-11. Review status: no assertion criteria provided. Collection method: clinical testing. Allele origin: germline. Not counted in ClinVar's aggregate classification.

NM_002485.5(NBN):c.329A>G (p.Tyr110Cys)

Gene: NBN (nibrin; minus strand). Cytogenetic location: 8q21.3.
Variant type: single nucleotide variant.
Coding change: c.329A>G on transcript NM_002485.5 (MANE Select); coding-DNA position 329, A replaced by G.
Protein change: p.Tyr110Cys; replaces tyrosine 110 with cysteine.
Molecular consequence: missense variant.
Genome position (GRCh38, 1-based): chr8:89,980,885, T>C on the plus strand (A>G on the coding strand, the complement: NBN is on the minus strand). VCF-style: chr8-89980885-T-C. GRCh37 (hg19) VCF-style: chr8-90993113-T-C.
Other names: c.83A>G, p.Tyr28Cys (NM_001024688.3); short protein forms Y110C, Y28C.
Identifiers: ClinVar variation 574738 (VCV000574738.23), dbSNP rs1355269482, ClinGen allele CA371662147.